The following is an entry in ClinVar:

NM_006206.6(PDGFRA):c.2552C>T (p.Ser851Leu)

Gene: PDGFRA (platelet derived growth factor receptor alpha; plus strand). Cytogenetic location: 4q12.
Variant type: single nucleotide variant.
Coding change: c.2552C>T on transcript NM_006206.6 (MANE Select); coding-DNA position 2552, C replaced by T.
Protein change: p.Ser851Leu; replaces serine 851 with leucine.
Molecular consequence: missense variant.
Genome position (GRCh38, 1-based): chr4:54,285,953, C>T. VCF-style: chr4-54285953-C-T. GRCh37 (hg19) VCF-style: chr4-55152120-C-T.
Other names: c.2627C>T, p.Ser876Leu (NM_001347828.2); c.2552C>T, p.Ser851Leu (NM_001347829.2); c.2591C>T, p.Ser864Leu (NM_001347830.2); short protein forms S851L, S864L, S876L.
Identifiers: ClinVar variation 936429 (VCV000936429.7), dbSNP rs745464928, ClinGen allele CA2922887.

ClinVar aggregate classification (germline): Uncertain significance (1 of 4 stars; one submission).

Conditions:
Gastrointestinal stromal tumor. Also called: Gastrointestinal stromal tumor, somatic; Gastrointestinal stroma tumor. Identifiers: Orphanet 44890, MedGen C0238198, MeSH D046152, MONDO:0011719, OMIM 606764, HP:0100723.

Allele frequency attached by ClinVar (database versions not stated): gnomAD exomes below 0.00001; ExAC 0.00001.
gnomAD v4.1: 2 of 1,614,076 alleles (0.00012%); highest among the groups gnomAD compares: South Asian, 0.0011%; no homozygotes.

Submission:

Labcorp Genetics (formerly Invitae), Labcorp
Classification: Uncertain significance for Gastrointestinal stromal tumor. Last evaluated: 2022-08-16. Review status: criteria provided, single submitter. Criteria: Invitae Variant Classification Sherloc (09022015). Collection method: clinical testing. Allele origin: germline.
Comment: This sequence change replaces serine, which is neutral and polar, with leucine, which is neutral and non-polar, at codon 851 of the PDGFRA protein (p.Ser851Leu). This variant is present in population databases (rs745464928, gnomAD 0.003%). This variant has not been reported in the literature in individuals affected with PDGFRA-related conditions. ClinVar contains an entry for this variant (Variation ID: 936429). Algorithms developed to predict the effect of missense changes on protein structure and function are either unavailable or do not agree on the potential impact of this missense change (SIFT: "Deleterious"; PolyPhen-2: "Probably Damaging"; Align-GVGD: "Class C0"). In summary, the available evidence is currently insufficient to determine the role of this variant in disease. Therefore, it has been classified as a Variant of Uncertain Significance.